The following continues an entry in ClinVar:

NM_000059.4(BRCA2):c.3264T>C (p.Pro1088=)

Gene: BRCA2. ClinVar aggregate classification (germline): Benign. Benign (1).

Submissions 18 to 36 of 36:

Cancer Genetics and Genomics Laboratory, British Columbia Cancer Agency
Classification: Benign. Last evaluated: 2017-04-18. Review status: criteria provided, single submitter. Criteria: ACMG Guidelines, 2015. Collection method: clinical testing. Allele origin: germline. Study: The Canadian Open Genetics Repository (COGR). Not counted in ClinVar's aggregate classification.

PreventionGenetics, part of Exact Sciences
Classification: Benign. Last evaluated: 2017-04-13. Review status: criteria provided, single submitter. Criteria: ACMG Guidelines, 2015. Collection method: clinical testing. Allele origin: germline. Not counted in ClinVar's aggregate classification.

Baylor Genetics
Classification: Benign for Familial cancer of breast. Last evaluated: 2017-02-23. Review status: criteria provided, single submitter. Criteria: ACMG Guidelines, 2015. Collection method: clinical testing. Allele origin: germline. Inheritance: Autosomal dominant inheritance. Affected: no. Not counted in ClinVar's aggregate classification.

Molecular Genetics Laboratory, University of Michigan
Classification: Benign for Breast-ovarian cancer, familial, susceptibility to, 2. Last evaluated: 2016-04-21. Review status: criteria provided, single submitter. Criteria: ACMG Guidelines, 2015. Collection method: clinical testing. Allele origin: germline. Affected: yes. Not counted in ClinVar's aggregate classification.

CHEO Genetics Diagnostic Laboratory, Children's Hospital of Eastern Ontario
Classification: Benign for Breast and/or ovarian cancer. Last evaluated: 2016-01-26. Review status: criteria provided, single submitter. Criteria: ACMG Guidelines, 2015. Collection method: clinical testing. Allele origin: germline. Study: Canadian Open Genetics Repository. Not counted in ClinVar's aggregate classification.

Clinical Genetics DNA and cytogenetics Diagnostics Lab, Erasmus MC, Erasmus Medical Center
Classification: Benign for Breast-ovarian cancer, familial, susceptibility to, 2. Last evaluated: 2015-09-21. Review status: criteria provided, single submitter. Criteria: ACGS Guidelines, 2013. Collection method: clinical testing. Allele origin: germline. Affected: yes. Study: VKGL Data-share Consensus. Not counted in ClinVar's aggregate classification.

Eurofins Ntd Llc (ga)
Classification: Benign. Last evaluated: 2015-04-29. Review status: criteria provided, single submitter. Criteria: EGL Classification Definitions 2015. Collection method: clinical testing. Allele origin: germline. Observed: 5 variant alleles, 5 heterozygotes. Not counted in ClinVar's aggregate classification.

Color Diagnostics, LLC DBA Color Health
Classification: Benign for Hereditary cancer-predisposing syndrome. Last evaluated: 2015-04-27. Review status: criteria provided, single submitter. Criteria: ACMG Guidelines, 2015. Collection method: clinical testing. Allele origin: germline. Not counted in ClinVar's aggregate classification.

Genomic Diagnostic Laboratory, Division of Genomic Diagnostics, Children's Hospital of Philadelphia
Classification: Likely benign for Hereditary Breast and Ovarian Cancer. Last evaluated: 2015-04-14. Review status: criteria provided, single submitter. Criteria: DGD Variant Analysis Guidelines. Collection method: clinical testing. Allele origin: unknown. Not counted in ClinVar's aggregate classification.

GeneDx
Classification: Benign. Last evaluated: 2015-03-03. Review status: criteria provided, single submitter. Criteria: GeneDx Variant Classification Process June 2021. Collection method: clinical testing. Allele origin: germline. Affected: yes. Not counted in ClinVar's aggregate classification.
Comment: This variant is associated with the following publications: (PMID: 28324225)

Ambry Genetics
Classification: Benign for Hereditary cancer-predisposing syndrome. Last evaluated: 2014-09-16. Review status: criteria provided, single submitter. Criteria: Ambry Variant Classification Scheme 2023. Collection method: clinical testing. Allele origin: germline. Not counted in ClinVar's aggregate classification.

Women's Health and Genetics/Laboratory Corporation of America, LabCorp
Classification: Benign for Hereditary breast ovarian cancer syndrome. Last evaluated: 2014-04-11. Review status: criteria provided, single submitter. Criteria: LabCorp Variant Classification Summary - May 2015. Collection method: clinical testing. Allele origin: germline. Not counted in ClinVar's aggregate classification.

Breakthrough Genomics
Classification: Benign. Review status: criteria provided, single submitter. Criteria: ACMG Guidelines, 2015. Collection method: not provided. Allele origin: germline. Inheritance: Autosomal recessive inheritance. Affected: yes. Not counted in ClinVar's aggregate classification.

Mayo Clinic Laboratories, Mayo Clinic
Classification: Likely benign. Last evaluated: 2017-12-22. Review status: no assertion criteria provided. Collection method: clinical testing. Allele origin: unknown. Not counted in ClinVar's aggregate classification.

Counsyl
Classification: Benign for Breast-ovarian cancer, familial 2. Last evaluated: 2014-03-14. Review status: no assertion criteria provided. Collection method: literature only. Allele origin: unknown. Inheritance: Autosomal dominant inheritance. Not counted in ClinVar's aggregate classification.

Breast Cancer Information Core (BIC) (BRCA2)
Classification: Uncertain significance for Breast-ovarian cancer, familial 2. Last evaluated: 2003-10-29. Review status: no assertion criteria provided. Collection method: clinical testing. Allele origin: unknown. Affected: yes. Observed: 6 variant alleles. Not counted in ClinVar's aggregate classification.

Clinical Genetics Laboratory, Department of Pathology, Netherlands Cancer Institute
Classification: Benign. Review status: no assertion criteria provided. Collection method: clinical testing. Allele origin: germline. Affected: yes. Study: VKGL Data-share Consensus. Not counted in ClinVar's aggregate classification.

Department of Pathology and Laboratory Medicine, Sinai Health System
Classification: Benign for Malignant tumor of breast. Review status: no assertion criteria provided. Collection method: clinical testing. Allele origin: unknown. Affected: yes. Study: The Canadian Open Genetics Repository (COGR). Not counted in ClinVar's aggregate classification.
Comment: The p.Pro1088Pro variant is not expected to have clinical significance because it does not alter an amino acid residue and is not located near a splice junction. It is listed in the dbSNP database as coming from a "clinical source" (ID#: rs36060526) with a global minor allele frequency (MAF) of 0.006, increasing the likelihood that this is a low frequency benign variant. The variant has been reported in the literature in 9/7860 proband chromosomes of individuals with breast and prostate cancer; however, no control chromosomes were tested to establish the frequency of the variant in the general population (Borg_2010, Caux-Moncoutier_2011, Edwards_2003, Fackenthal_2005). The variant was also identified in the UMD database (x16), BIC database (x6), Exome Server database and the BOCs database. In the UMD database, this variant was identified in one individual with a second pathogenic variant in the BRCA2 gene (c.2808_2811delACAA, p.Ala938ProfsX21), increasing the likelihood that the p.Pro1088Pro variant is a benign alteration. In summary, based on the above information, this variant is classified as Benign.

Joint Genome Diagnostic Labs from Nijmegen and Maastricht, Radboudumc and MUMC+
Classification: Benign. Review status: no assertion criteria provided. Collection method: clinical testing. Allele origin: germline. Affected: yes. Study: VKGL Data-share Consensus. Not counted in ClinVar's aggregate classification.

Literature cited by the submitters: DOI 10.3389/fgene.2022.834265 (cited by National Health Laboratory Service, Universitas Academic Hospital and University of the Free State); PubMed 36329109 (cited by Genetics Program, Instituto Nacional de Cancer); PubMed 12474142 (cited by 3 submitters); PubMed 20104584 (cited by 3 submitters); PubMed 15744044 (cited by 3 submitters); PubMed 18284688 (cited by Women's Health and Genetics/Laboratory Corporation of America, LabCorp); PubMed 22034289 (cited by Women's Health and Genetics/Laboratory Corporation of America, LabCorp); PubMed 21120943 (cited by Women's Health and Genetics/Laboratory Corporation of America, LabCorp); PubMed 23942203 (cited by Women's Health and Genetics/Laboratory Corporation of America, LabCorp).